The following is an entry in ClinVar:

ClinVar aggregate classification (germline): Likely pathogenic. Review status: reviewed by expert panel (3 of 4 stars). 2 submissions from 2 submitters: Likely pathogenic (1). 1 of the submissions does not count toward it. Last evaluated 2024-12-12.

Conditions:
RPE65-related recessive retinopathy. Also called: Recessive RPE65 retinopathy. Identifiers: MedGen CN305526, MONDO:0100368.

Submissions (2):

ClinGen Leber Congenital Amaurosis/early Onset Retinal Dystrophy Variant Curation Expert Panel, ClinGen
Classification: Likely pathogenic for RPE65-related recessive retinopathy. Last evaluated: 2024-12-12. Review status: reviewed by expert panel. Criteria: ClinGen LCAeoRD ACMG Specifications RPE65 V1.0.0. Collection method: curation. Allele origin: germline. Inheritance: Autosomal recessive inheritance.
Comment: The NM_000329.3(RPE65):c.762G>T (p.Glu254Asp) variant is a missense variant in RPE65 causing a substitution of glutamic acid with aspartic acid at position 254. This variant is absent from gnomAD v4.1.0 (PM2_Supporting). The computational predictor REVEL gives a score of 0.774, which is above the ClinGen LCA/eoRD VCEP threshold of ≥0.773 and predicts a damaging effect on RPE65 function (PP3_Moderate). This variant has been reported in at least 3 unrelated probands with early-onset severe retinal dystrophy who were homozygous for the variant (1 point, PM3, PMID: 35129589). At least one proband harboring this variant exhibits a phenotype including clinical diagnosis of LCA (0.5 pt) and significant, documented improvement of FST or other measure of dark-adapted vision after treatment with Luxturna or other RPE65 gene therapy. (8.5 points, PMID: 38295874, PP4_Moderate). In summary, this variant meets the criteria to be classified as Likely Pathogenic for RPE65-related recessive retinopathy based on the ACMG/AMP criteria applied, as specified by the ClinGen LCA/eoRD VCEP: PM2_Supporting, PP3_Moderate, PP4_Moderate, PM3 (VCEP specifications version 1.0.0; date of approval 09/21/2023).

Blueprint Genetics
Classification: Uncertain significance. Last evaluated: 2022-09-07. Review status: criteria provided, single submitter. Criteria: ACMG Guidelines, 2015. Collection method: clinical testing. Allele origin: germline. Not counted in ClinVar's aggregate classification.

NM_000329.3(RPE65):c.762G>T (p.Glu254Asp)

Gene: RPE65 (retinoid isomerohydrolase RPE65; minus strand). Cytogenetic location: 1p31.3.
Variant type: single nucleotide variant.
Coding change: c.762G>T on transcript NM_000329.3 (MANE Select); coding-DNA position 762, G replaced by T.
Protein change: p.Glu254Asp; replaces glutamic acid 254 with aspartic acid.
Molecular consequence: missense variant.
Genome position (GRCh38, 1-based): chr1:68,439,287, C>A on the plus strand (G>T on the coding strand, the complement: RPE65 is on the minus strand). VCF-style: chr1-68439287-C-A. GRCh37 (hg19) VCF-style: chr1-68904970-C-A.
Other names: NM_000329.3:c.762G>T; c.654G>T, p.Glu218Asp (NM_001406853.1); c.486G>T, p.Glu162Asp (NM_001406856.1, NM_001406857.1); c.762G>T, p.Glu254Asp (NM_001406859.1); short protein forms E162D, E218D, E254D.
Identifiers: ClinVar variation 3385360 (VCV003385360.2).